The following is an entry in ClinVar:

NM_021620.4(PRDM13):c.710C>T (p.Ala237Val)

Gene: PRDM13 (PR/SET domain 13; plus strand). Cytogenetic location: 6q16.2.
Variant type: single nucleotide variant.
Coding change: c.710C>T on transcript NM_021620.4 (MANE Select); coding-DNA position 710, C replaced by T.
Protein change: p.Ala237Val; replaces alanine 237 with valine.
Molecular consequence: missense variant.
Genome position (GRCh38, 1-based): chr6:99,613,345, C>T. VCF-style: chr6-99613345-C-T. GRCh37 (hg19) VCF-style: chr6-100061221-C-T.
Other names: c.710C>T (NM_021620.3); short protein forms A237V.
Identifiers: ClinVar variation 1170888 (VCV001170888.35), dbSNP rs200243118, ClinGen allele CA3936266.
Genomic context (GRCh38, chr6:99,613,345, plus strand): 5'-CAGTTCAGGCCTGCGGTGCGCGGGAGGGCATCAAGCGCGAGGCCTCTTCCGCGCCCTCGG[C>T]CACCTCGCCGACCCCAGGCAAGTGGGGGCAGCCCAAGAAGGGCAAGGAGCAGCTGGACCG-3'
Protein context (NP_067633.2, residues 227-247): IKREASSAPS[Ala237Val]TSPTPGKWGQ

ClinVar aggregate classification (germline): Benign/Likely benign. Review status: criteria provided, multiple submitters, no conflicts (2 of 4 stars). 5 submissions from 5 submitters: Benign (1); Likely benign (1). 3 of the submissions do not count toward it. Last evaluated 2026-07-01.

Conditions:
PRDM13-related disorder. Also called: PRDM13-related condition.

Allele frequency attached by ClinVar (database versions not stated): 1000 Genomes Project 0.00260; 1000 Genomes Project 30x 0.00344; gnomAD exomes 0.00410 and 0.00630; ESP Exome Variant Server 0.00423; gnomAD 0.00449 and 0.00518; TOPMed 0.00508; ExAC 0.00521.
gnomAD v4.1: 9,564 of 1,548,668 alleles (0.62%); highest among the groups gnomAD compares: Non-Finnish European, 0.73%; 54 homozygotes.

Submissions (5):

CeGaT Center for Human Genetics Tuebingen
Classification: Likely benign. Last evaluated: 2026-07-01. Review status: criteria provided, single submitter. Criteria: CeGaT Center For Human Genetics Tuebingen Variant Classification Criteria Version 2. Collection method: clinical testing. Allele origin: germline. Affected: yes. Observed: 8 variant alleles.
Comment: PRDM13: BS2

Labcorp Genetics (formerly Invitae), Labcorp
Classification: Benign. Last evaluated: 2026-02-03. Review status: criteria provided, single submitter. Criteria: Invitae Variant Classification Sherloc (09022015). Collection method: clinical testing. Allele origin: germline.

PreventionGenetics, part of Exact Sciences
Classification: Benign for PRDM13-related condition. Last evaluated: 2019-06-15. Review status: no assertion criteria provided. Collection method: clinical testing. Allele origin: germline. Not counted in ClinVar's aggregate classification.
Comment: This variant is classified as benign based on ACMG/AMP sequence variant interpretation guidelines (Richards et al. 2015 PMID: 25741868, with internal and published modifications).

Clinical Genetics DNA and cytogenetics Diagnostics Lab, Erasmus MC, Erasmus Medical Center
Classification: Likely benign. Review status: no assertion criteria provided. Collection method: clinical testing. Allele origin: germline. Affected: yes. Study: VKGL Data-share Consensus. Not counted in ClinVar's aggregate classification.

Clinical Genetics, Academic Medical Center
Classification: Benign. Review status: no assertion criteria provided. Collection method: clinical testing. Allele origin: germline. Affected: yes. Study: VKGL Data-share Consensus. Not counted in ClinVar's aggregate classification.